The following is an entry in ClinVar:

ClinVar aggregate classification (germline): Pathogenic (1 of 4 stars; one submission).

Submission:

Labcorp Genetics (formerly Invitae), Labcorp
Classification: Pathogenic. Last evaluated: 2019-10-22. Review status: criteria provided, single submitter. Criteria: Invitae Variant Classification Sherloc (09022015). Collection method: clinical testing. Allele origin: germline.
Comment: A gross deletion of the genomic region encompassing the full coding sequence of the CDHR1 gene has been identified. The boundaries of this event are unknown as the deletion extends beyond the assayed region for this gene and therefore may encompass additional genes. This variant has not been reported in the literature in individuals with CDHR1-related conditions. Loss-of-function variants in CDHR1 are known to be pathogenic (PMID: 23044944, 23591405, 26103963, 26261414). For these reasons, this variant has been classified as Pathogenic.

NC_000010.11:g.(?_84141501)_(84258639_?)del

Genes: CDHR1 (cadherin related family member 1; plus strand), GHITM (growth hormone inducible transmembrane protein; plus strand), GPR15LG (G protein-coupled receptor 15 ligand; plus strand), LRIT1 (leucine rich repeat, Ig-like and transmembrane domains 1; minus strand), LRIT2 (leucine rich repeat, Ig-like and transmembrane domains 2; minus strand) and 1 more. Cytogenetic location: 10q23.1.
Variant type: Deletion.
Identifiers: ClinVar variation 833377 (VCV000833377.1).